The following is an entry in ClinVar:

NM_005529.7(HSPG2):c.7072C>G (p.Leu2358Val)

Gene: HSPG2 (heparan sulfate proteoglycan 2; minus strand). Cytogenetic location: 1p36.12.
Variant type: single nucleotide variant.
Coding change: c.7072C>G on transcript NM_005529.7 (MANE Select); coding-DNA position 7072, C replaced by G.
Protein change: p.Leu2358Val; replaces leucine 2358 with valine.
Molecular consequence: missense variant.
Genome position (GRCh38, 1-based): chr1:21,851,632, G>C on the plus strand (C>G on the coding strand, the complement: HSPG2 is on the minus strand). VCF-style: chr1-21851632-G-C. GRCh37 (hg19) VCF-style: chr1-22178125-G-C.
Other names: c.7075C>G, p.Leu2359Val (NM_001291860.2); short protein forms L2358V, L2359V.
Identifiers: ClinVar variation 992349 (VCV000992349.5), dbSNP rs1188447343, ClinGen allele CA338926107.

ClinVar aggregate classification (germline): Uncertain significance. Review status: criteria provided, multiple submitters, no conflicts (2 of 4 stars). 2 submissions from 2 submitters: Uncertain significance (2). Last evaluated 2021-07-31.

Allele frequency attached by ClinVar (database versions not stated): gnomAD exomes below 0.00001; TOPMed 0.00001.

Submissions (2):

Labcorp Genetics (formerly Invitae), Labcorp
Classification: Uncertain significance. Last evaluated: 2021-07-31. Review status: criteria provided, single submitter. Criteria: Invitae Variant Classification Sherloc (09022015). Collection method: clinical testing. Allele origin: germline.
Comment: This sequence change replaces leucine with valine at codon 2358 of the HSPG2 protein (p.Leu2358Val). The leucine residue is weakly conserved and there is a small physicochemical difference between leucine and valine. This variant is not present in population databases (ExAC no frequency). This variant has not been reported in the literature in individuals affected with HSPG2-related conditions. ClinVar contains an entry for this variant (Variation ID: 992349). Algorithms developed to predict the effect of missense changes on protein structure and function are either unavailable or do not agree on the potential impact of this missense change (SIFT: "Deleterious"; PolyPhen-2: "Probably Damaging"; Align-GVGD: "Class C0"). In summary, the available evidence is currently insufficient to determine the role of this variant in disease. Therefore, it has been classified as a Variant of Uncertain Significance.

Greenwood Genetic Center Diagnostic Laboratories, Greenwood Genetic Center
Classification: Uncertain significance. Last evaluated: 2020-10-01. Review status: criteria provided, single submitter. Criteria: ACMG Guidelines, 2015. Collection method: clinical testing. Allele origin: germline. Affected: yes.